The following is an entry in ClinVar:

ClinVar aggregate classification (germline): Uncertain significance (1 of 4 stars; one submission).

Conditions:
Familial cancer of breast. Also called: hereditary breast carcinoma; BREAST CANCER, FAMILIAL; Hereditary breast cancer. Identifiers: Orphanet 227535, MedGen C0346153, MONDO:0016419, OMIM 114480. Disease mechanism: loss of function.

gnomAD v4.1: 4 of 1,613,830 alleles (0.00025%); highest among the groups gnomAD compares: Non-Finnish European, 0.00034%; no homozygotes.

Submission:

Labcorp Genetics (formerly Invitae), Labcorp
Classification: Uncertain significance for Familial cancer of breast. Last evaluated: 2021-05-07. Review status: criteria provided, single submitter. Criteria: Invitae Variant Classification Sherloc (09022015). Collection method: clinical testing. Allele origin: germline.
Comment: In summary, the available evidence is currently insufficient to determine the role of this variant in disease. Therefore, it has been classified as a Variant of Uncertain Significance. Algorithms developed to predict the effect of missense changes on protein structure and function (SIFT, PolyPhen-2, Align-GVGD) all suggest that this variant is likely to be tolerated, but these predictions have not been confirmed by published functional studies and their clinical significance is uncertain. This variant has not been reported in the literature in individuals with CHEK2-related conditions. This variant is not present in population databases (ExAC no frequency). This sequence change replaces glutamine with arginine at codon 34 of the CHEK2 protein (p.Gln34Arg). The glutamine residue is moderately conserved and there is a small physicochemical difference between glutamine and arginine.

NM_007194.4(CHEK2):c.101A>G (p.Gln34Arg)

Gene: CHEK2 (checkpoint kinase 2; minus strand). Cytogenetic location: 22q12.1.
Variant type: single nucleotide variant.
Coding change: c.101A>G on transcript NM_007194.4 (MANE Select); coding-DNA position 101, A replaced by G.
Protein change: p.Gln34Arg; replaces glutamine 34 with arginine.
Molecular consequence: missense variant.
Genome position (GRCh38, 1-based): chr22:28,734,621, T>C on the plus strand (A>G on the coding strand, the complement: CHEK2 is on the minus strand). VCF-style: chr22-28734621-T-C. GRCh37 (hg19) VCF-style: chr22-29130609-T-C.
Other names: c.101A>G, p.Gln34Arg (NM_001005735.3, NM_001349956.3, NM_145862.3); c.-677A>G (NM_001257387.3); short protein forms Q34R.
Identifiers: ClinVar variation 1393690 (VCV001393690.9), dbSNP rs2146152117, ClinGen allele CA411091493.